The following is an entry in ClinVar:

NM_001042681.2(RERE):c.2519C>T (p.Ser840Phe)

Gene: RERE (arginine-glutamic acid dipeptide repeats; minus strand). Cytogenetic location: 1p36.23.
Variant type: single nucleotide variant.
Coding change: c.2519C>T on transcript NM_001042681.2 (MANE Select); coding-DNA position 2519, C replaced by T.
Protein change: p.Ser840Phe; replaces serine 840 with phenylalanine.
Molecular consequence: missense variant.
Genome position (GRCh38, 1-based): chr1:8,360,988, G>A on the plus strand (C>T on the coding strand, the complement: RERE is on the minus strand). VCF-style: chr1-8360988-G-A. GRCh37 (hg19) VCF-style: chr1-8421048-G-A.
Other names: c.857C>T, p.Ser286Phe (NM_001042682.2); c.2519C>T, p.Ser840Phe (NM_012102.4); short protein forms S286F, S840F.
Identifiers: ClinVar variation 1031178 (VCV001031178.2), dbSNP rs1031152969, ClinGen allele CA17695895.

ClinVar aggregate classification (germline): Uncertain significance. Review status: criteria provided, multiple submitters, no conflicts (2 of 4 stars). 2 submissions from 2 submitters: Uncertain significance (2). Last evaluated 2024-10-30.

Conditions:
Inborn genetic diseases. Identifiers: MedGen C0950123, MeSH D030342.
Neurodevelopmental disorder with or without anomalies of the brain, eye, or heart (NEDBEH). Identifiers: Orphanet 494344, MedGen C5567477, MONDO:0014857, OMIM 616975.

Allele frequency attached by ClinVar (database versions not stated): TOPMed below 0.00001.
gnomAD v4.1: 5 of 1,442,884 alleles (0.00035%); no homozygotes.

Submissions (2):

Ambry Genetics
Classification: Uncertain significance for Inborn genetic diseases. Last evaluated: 2024-10-30. Review status: criteria provided, single submitter. Criteria: Ambry Variant Classification Scheme 2023. Collection method: clinical testing. Allele origin: germline.

Baylor Genetics
Classification: Uncertain significance for Neurodevelopmental disorder with or without anomalies of the brain, eye, or heart. Last evaluated: 2019-10-21. Review status: criteria provided, single submitter. Criteria: ACMG Guidelines, 2015. Collection method: clinical testing. Allele origin: unknown. Affected: yes.
Comment: This variant was determined to be of uncertain significance according to ACMG Guidelines, 2015 [PMID:25741868].